The following is an entry in ClinVar:

NM_015175.3(NBEAL2):c.*179C>A

Gene: NBEAL2 (neurobeachin like 2; plus strand). Cytogenetic location: 3p21.31.
Variant type: single nucleotide variant.
Coding change: c.*179C>A on transcript NM_015175.3 (MANE Select); 179 bases downstream of the stop codon, C replaced by A.
Molecular consequence: 3 prime UTR variant.
Genome position (GRCh38, 1-based): chr3:47,009,499, C>A. VCF-style: chr3-47009499-C-A. GRCh37 (hg19) VCF-style: chr3-47050989-C-A.
Other names: c.*179C>A (NM_001365116.2).
Identifiers: ClinVar variation 345700 (VCV000345700.7), dbSNP rs111271184, ClinGen allele CA2362421.
Genomic context (GRCh38, chr3:47,009,499, plus strand): 5'-CCTGCCCAGCTCAGGGATTGGCGGGCGATGTTACCCCCTCAGGGATTGGCGGGCGGAAGT[C>A]CCGCCCCTCGCCGGCTGAGGGGCCGCCCTGAGGGCCAGCACTGGCGTCTGCGGCCGCAGC-3'

ClinVar aggregate classification (germline): Benign. Review status: criteria provided, multiple submitters, no conflicts (2 of 4 stars). 3 submissions from 3 submitters: Benign (3). Last evaluated 2018-11-12.

Conditions:
Gray platelet syndrome (GPS). Also called: BLEEDING DISORDER, PLATELET-TYPE, 4. Identifiers: Orphanet 721, MedGen C0272302, MONDO:0007686, OMIM 139090.

Allele frequency attached by ClinVar (database versions not stated): gnomAD exomes 0.00646 and 0.01600; gnomAD 0.06795; 1000 Genomes Project 0.07248; TOPMed 0.07293; ExAC 0.07337; 1000 Genomes Project 30x 0.07636.
gnomAD v4.1: 13,251 of 660,992 alleles (2%); highest among the groups gnomAD compares: African/African-American, 22%; 1,314 homozygotes.

Submissions (3):

GeneDx
Classification: Benign. Last evaluated: 2018-11-12. Review status: criteria provided, single submitter. Criteria: GeneDx Variant Classification Process June 2021. Collection method: clinical testing. Allele origin: germline. Affected: yes.

Illumina Laboratory Services, Illumina
Classification: Benign for Gray platelet syndrome. Last evaluated: 2018-01-13. Review status: criteria provided, single submitter. Criteria: ICSL Variant Classification Criteria 13 December 2019. Collection method: clinical testing. Allele origin: germline.
Comment: This variant was observed in the ICSL laboratory as part of a predisposition screen in an ostensibly healthy population. It had not been previously curated by ICSL or reported in the Human Gene Mutation Database (HGMD: prior to June 1st, 2018), and was therefore a candidate for classification through an automated scoring system. Utilizing variant allele frequency, disease prevalence and penetrance estimates, and inheritance mode, an automated score was calculated to assess if this variant is too frequent to cause the disease. Based on the score and internal cut-off values, a variant classified as benign is not then subjected to further curation. The score for this variant resulted in a classification of benign for this disease.

Breakthrough Genomics
Classification: Benign. Review status: criteria provided, single submitter. Criteria: ACMG Guidelines, 2015. Collection method: not provided. Allele origin: germline. Inheritance: Autosomal recessive inheritance. Affected: yes.